The following is an entry in ClinVar:

ClinVar aggregate classification (germline): Pathogenic (1 of 4 stars; one submission).

Submission:

Labcorp Genetics (formerly Invitae), Labcorp
Classification: Pathogenic. Last evaluated: 2025-01-27. Review status: criteria provided, single submitter. Criteria: Invitae Variant Classification Sherloc (09022015). Collection method: clinical testing. Allele origin: germline.
Comment: This sequence change creates a premature translational stop signal (p.Lys480*) in the TUBGCP4 gene. It is expected to result in an absent or disrupted protein product. Loss-of-function variants in TUBGCP4 are known to be pathogenic (PMID: 25817018). This variant is not present in population databases (gnomAD no frequency). This variant has not been reported in the literature in individuals affected with TUBGCP4-related conditions. ClinVar contains an entry for this variant (Variation ID: 2116154). For these reasons, this variant has been classified as Pathogenic.

Literature cited by the submitters: PubMed 25817018.

NM_014444.5(TUBGCP4):c.1434dup (p.Lys479Ter)

Gene: TUBGCP4 (tubulin gamma complex component 4; plus strand). Cytogenetic location: 15q15.3.
Variant type: Duplication.
Coding change: c.1434dup on transcript NM_014444.5 (MANE Select); coding-DNA position 1434, one base duplicated (T; older notation c.1434dupT).
Protein change: p.Lys479Ter; replaces lysine 479 with a stop codon.
Molecular consequence: nonsense.
Genome position (GRCh38, 1-based): chr15:43,400,059, T duplicated; the last of 5 consecutive T bases (chr15:43,400,055-43,400,059); duplicating any one gives the same sequence. VCF-style (leftmost placement, unchanged base first): chr15-43400054-G-GT. GRCh37 (hg19) VCF-style: chr15-43692252-G-GT.
Other names: c.1437dup, p.Lys480Ter (NM_001286414.3); short protein forms K480*, K479*.
Identifiers: ClinVar variation 2116154 (VCV002116154.4), dbSNP rs1439555171, ClinGen allele CA712968734.